The following is an entry in ClinVar:

ClinVar aggregate classification (germline): Uncertain significance (1 of 4 stars; one submission).

gnomAD v4.1: 1 of 1,613,816 alleles (0.000062%); highest among the groups gnomAD compares: Admixed American, 0.0017%; no homozygotes.

Submission:

Labcorp Genetics (formerly Invitae), Labcorp
Classification: Uncertain significance. Last evaluated: 2022-03-28. Review status: criteria provided, single submitter. Criteria: Invitae Variant Classification Sherloc (09022015). Collection method: clinical testing. Allele origin: germline.
Comment: Advanced modeling of protein sequence and biophysical properties (such as structural, functional, and spatial information, amino acid conservation, physicochemical variation, residue mobility, and thermodynamic stability) performed at Invitae indicates that this missense variant is not expected to disrupt FAT4 protein function. This variant has not been reported in the literature in individuals affected with FAT4-related conditions. This variant is not present in population databases (gnomAD no frequency). This sequence change replaces threonine, which is neutral and polar, with isoleucine, which is neutral and non-polar, at codon 2658 of the FAT4 protein (p.Thr2658Ile). In summary, the available evidence is currently insufficient to determine the role of this variant in disease. Therefore, it has been classified as a Variant of Uncertain Significance.

NM_001291303.3(FAT4):c.7979C>T (p.Thr2660Ile)

Gene: FAT4 (FAT atypical cadherin 4; plus strand). Cytogenetic location: 4q28.1.
Variant type: single nucleotide variant.
Coding change: c.7979C>T on transcript NM_001291303.3 (MANE Select); coding-DNA position 7979, C replaced by T.
Protein change: p.Thr2660Ile; replaces threonine 2660 with isoleucine.
Molecular consequence: missense variant.
Genome position (GRCh38, 1-based): chr4:125,448,989, C>T. VCF-style: chr4-125448989-C-T. GRCh37 (hg19) VCF-style: chr4-126370144-C-T.
Other names: c.7979C>T, p.Thr2660Ile (NM_001291285.3); c.7973C>T, p.Thr2658Ile (NM_024582.6); short protein forms T2658I, T2660I.
Identifiers: ClinVar variation 2099430 (VCV002099430.4), dbSNP rs761286125, ClinGen allele CA358144649.